The following is an entry in ClinVar:

ClinVar aggregate classification (germline): Uncertain significance (1 of 4 stars; one submission).

Conditions:
Cardiovascular phenotype. Identifiers: MedGen CN230736.

gnomAD v4.1: 4 of 1,566,584 alleles (0.00026%); highest among the groups gnomAD compares: Non-Finnish European, 0.00035%; no homozygotes.

Submission:

Ambry Genetics
Classification: Uncertain significance for Cardiovascular phenotype. Last evaluated: 2025-05-24. Review status: criteria provided, single submitter. Criteria: Ambry Variant Classification Scheme 2023. Collection method: clinical testing. Allele origin: germline.
Comment: The p.M29T variant (also known as c.86T>C), located in coding exon 1 of the CBL gene, results from a T to C substitution at nucleotide position 86. The methionine at codon 29 is replaced by threonine, an amino acid with similar properties. This amino acid position is conserved. In addition, the in silico prediction for this alteration is inconclusive. Based on the available evidence, the clinical significance of this variant remains unclear.

NM_005188.4(CBL):c.86T>C (p.Met29Thr)

Genes: CBL (Cbl proto-oncogene; plus strand), LOC130006895 (ATAC-STARR-seq lymphoblastoid silent region 3975; plus strand). Cytogenetic location: 11q23.3.
Variant type: single nucleotide variant.
Coding change: c.86T>C on transcript NM_005188.4 (MANE Select); coding-DNA position 86, T replaced by C.
Protein change: p.Met29Thr; replaces methionine 29 with threonine.
Molecular consequence: missense variant.
Genome position (GRCh38, 1-based): chr11:119,206,503, T>C. VCF-style: chr11-119206503-T-C. GRCh37 (hg19) VCF-style: chr11-119077213-T-C.
Other names: short protein forms M29T.
Identifiers: ClinVar variation 3995966 (VCV003995966.1).